The following is an entry in ClinVar:

ClinVar aggregate classification (germline): Uncertain significance. Review status: criteria provided, multiple submitters, no conflicts (2 of 4 stars). 2 submissions from 2 submitters: Uncertain significance (2). Last evaluated 2024-06-21.

Allele frequency attached by ClinVar (database versions not stated): TOPMed below 0.00001; ExAC 0.00001; gnomAD exomes 0.00001.
gnomAD v4.1: 4 of 1,613,098 alleles (0.00025%); highest among the groups gnomAD compares: Admixed American, 0.005%; no homozygotes.

Submissions (2):

Women's Health and Genetics/Laboratory Corporation of America, LabCorp
Classification: Uncertain significance. Last evaluated: 2024-06-21. Review status: criteria provided, single submitter. Criteria: LabCorp Variant Classification Summary - May 2015. Collection method: clinical testing. Allele origin: germline.
Comment: Variant summary: LPL c.634T>C (p.Phe212Leu) results in a non-conservative amino acid change located in the lipase domain (IPR013818) of the encoded protein sequence. Three of five in-silico tools predict a damaging effect of the variant on protein function. The variant allele was found at a frequency of 1.2e-05 in 251440 control chromosomes. The available data on variant occurrences in the general population are insufficient to allow any conclusion about variant significance. c.634T>C has been reported in the literature in individuals affected with familial chylomicronemia and hypertrigliceridemia (e.g. Hegele_2018, Deshotels_2022). These data do not allow any conclusion about variant significance. To our knowledge, no experimental evidence demonstrating an impact on protein function has been reported. The following publications have been ascertained in the context of this evaluation (PMID: 36325899, 29748148). ClinVar contains an entry for this variant (Variation ID: 1425535). Based on the evidence outlined above, the variant was classified as uncertain significance.

Labcorp Genetics (formerly Invitae), Labcorp
Classification: Uncertain significance. Last evaluated: 2022-08-15. Review status: criteria provided, single submitter. Criteria: Invitae Variant Classification Sherloc (09022015). Collection method: clinical testing. Allele origin: germline.
Comment: This sequence change replaces phenylalanine, which is neutral and non-polar, with leucine, which is neutral and non-polar, at codon 212 of the LPL protein (p.Phe212Leu). This variant is present in population databases (rs767740358, gnomAD 0.009%). This missense change has been observed in individual(s) with familial chylomicronemia (PMID: 29748148). ClinVar contains an entry for this variant (Variation ID: 1425535). Algorithms developed to predict the effect of missense changes on protein structure and function are either unavailable or do not agree on the potential impact of this missense change (SIFT: "Tolerated"; PolyPhen-2: "Possibly Damaging"; Align-GVGD: "Class C0"). In summary, the available evidence is currently insufficient to determine the role of this variant in disease. Therefore, it has been classified as a Variant of Uncertain Significance.

Literature cited by the submitters: PubMed 36325899 (cited by Women's Health and Genetics/Laboratory Corporation of America, LabCorp); PubMed 29748148 (cited by Women's Health and Genetics/Laboratory Corporation of America, LabCorp and Labcorp Genetics (formerly Invitae), Labcorp).

NM_000237.3(LPL):c.634T>C (p.Phe212Leu)

Gene: LPL (lipoprotein lipase; plus strand). Cytogenetic location: 8p21.3.
Variant type: single nucleotide variant.
Coding change: c.634T>C on transcript NM_000237.3 (MANE Select); coding-DNA position 634, T replaced by C.
Protein change: p.Phe212Leu; replaces phenylalanine 212 with leucine.
Molecular consequence: missense variant.
Genome position (GRCh38, 1-based): chr8:19,954,212, T>C. VCF-style: chr8-19954212-T-C. GRCh37 (hg19) VCF-style: chr8-19811723-T-C.
Other names: short protein forms F212L.
Identifiers: ClinVar variation 1425535 (VCV001425535.4), dbSNP rs767740358, ClinGen allele CA4655484.